The following is an entry in ClinVar:

ClinVar aggregate classification (germline): Likely benign. Review status: criteria provided, multiple submitters, no conflicts (2 of 4 stars). 3 submissions from 3 submitters: Likely benign (3). Last evaluated 2026-07-13.

Conditions:
SAG-related disorder. Also called: SAG-related condition; SAG-related disorders.

Allele frequency attached by ClinVar (database versions not stated): gnomAD exomes 0.00011; ExAC 0.00015.
gnomAD v4.1: 122 of 1,613,882 alleles (0.0076%); highest among the groups gnomAD compares: South Asian, 0.1%; no homozygotes.

Submissions (3):

PreventionGenetics, part of Exact Sciences
Classification: Likely benign for SAG-related condition. Last evaluated: 2026-07-13. Review status: criteria provided, single submitter. Criteria: ACMG Guidelines, 2015. Collection method: clinical testing. Allele origin: germline.
Comment: This variant is classified as likely benign based on ACMG/AMP sequence variant interpretation guidelines (Richards et al. 2015 PMID: 25741868, with internal and published modifications).

Blueprint Genetics
Classification: Likely benign. Last evaluated: 2024-05-21. Review status: criteria provided, single submitter. Criteria: ACMG Guidelines, 2015. Collection method: clinical testing. Allele origin: germline.

Labcorp Genetics (formerly Invitae), Labcorp
Classification: Likely benign. Last evaluated: 2023-08-11. Review status: criteria provided, single submitter. Criteria: Invitae Variant Classification Sherloc (09022015). Collection method: clinical testing. Allele origin: germline.

NM_000541.5(SAG):c.915C>T (p.His305=)

Gene: SAG (S-antigen visual arrestin; plus strand). Cytogenetic location: 2q37.1.
Variant type: single nucleotide variant.
Coding change: c.915C>T on transcript NM_000541.5 (MANE Select); coding-DNA position 915, C replaced by T.
Protein change: p.His305=; no amino-acid change (histidine 305 retained).
Molecular consequence: synonymous variant.
Genome position (GRCh38, 1-based): chr2:233,335,070, C>T. VCF-style: chr2-233335070-C-T. GRCh37 (hg19) VCF-style: chr2-234243716-C-T.
Other names: c.915C>T (NM_000541.4).
Identifiers: ClinVar variation 1138801 (VCV001138801.11), dbSNP rs745813550, ClinGen allele CA2174576.